The following is an entry in ClinVar:

NM_014254.3(RXYLT1):c.1114C>G (p.Pro372Ala)

Genes: RXYLT1 (ribitol xylosyltransferase 1; plus strand), RXYLT1-AS1 (RXYLT1 antisense RNA 1; minus strand). Cytogenetic location: 12q14.2.
Variant type: single nucleotide variant.
Coding change: c.1114C>G on transcript NM_014254.3 (MANE Select); coding-DNA position 1114, C replaced by G.
Protein change: p.Pro372Ala; replaces proline 372 with alanine.
Molecular consequence: missense variant. On other transcripts: non-coding transcript variant (1).
Genome position (GRCh38, 1-based): chr12:63,808,874, C>G. VCF-style: chr12-63808874-C-G. GRCh37 (hg19) VCF-style: chr12-64202654-C-G.
Other names: c.334C>G, p.Pro112Ala (NM_001278237.2); short protein forms P372A, P112A.
Identifiers: ClinVar variation 1510371 (VCV001510371.5), dbSNP rs748368825, ClinGen allele CA6666248.
Genomic context (GRCh38, chr12:63,808,874, plus strand): 5'-GTGGTGGAAGACGTGATGACAGCTGGCAACTGTGGGAATACATCTGTGCACCACGGTGCT[C>G]CTCTGCAGTTACTCAAGTCCATGGGTGCTCCCTTTATCTTTATCAAGAACTGGAAGGAAC-3'
Protein context (NP_055069.1, residues 362-382): CGNTSVHHGA[Pro372Ala]LQLLKSMGAP

ClinVar aggregate classification (germline): Uncertain significance (1 of 4 stars; one submission).

Allele frequency attached by ClinVar (database versions not stated): ExAC 0.00001; gnomAD exomes 0.00001; TOPMed 0.00001.
gnomAD v4.1: 10 of 1,613,932 alleles (0.00062%); highest among the groups gnomAD compares: Non-Finnish European, 0.00076%; no homozygotes.

Submission:

Labcorp Genetics (formerly Invitae), Labcorp
Classification: Uncertain significance. Last evaluated: 2022-11-01. Review status: criteria provided, single submitter. Criteria: Invitae Variant Classification Sherloc (09022015). Collection method: clinical testing. Allele origin: germline.
Comment: This sequence change replaces proline, which is neutral and non-polar, with alanine, which is neutral and non-polar, at codon 372 of the RXYLT1 protein (p.Pro372Ala). This variant is present in population databases (rs748368825, gnomAD 0.002%). This variant has not been reported in the literature in individuals affected with RXYLT1-related conditions. ClinVar contains an entry for this variant (Variation ID: 1510371). Advanced modeling of protein sequence and biophysical properties (such as structural, functional, and spatial information, amino acid conservation, physicochemical variation, residue mobility, and thermodynamic stability) performed at Invitae indicates that this missense variant is not expected to disrupt RXYLT1 protein function. In summary, the available evidence is currently insufficient to determine the role of this variant in disease. Therefore, it has been classified as a Variant of Uncertain Significance.